The following is an entry in ClinVar:

ClinVar aggregate classification (germline): Likely benign. Review status: criteria provided, multiple submitters, no conflicts (2 of 4 stars). 2 submissions from 2 submitters: Likely benign (2). Last evaluated 2025-11-16.

Allele frequency attached by ClinVar (database versions not stated): gnomAD exomes 0.00001 and 0.00002; TOPMed 0.00001.
gnomAD v4.1: 13 of 1,551,642 alleles (0.00084%); highest among the groups gnomAD compares: Non-Finnish European, 0.0011%; no homozygotes.

Submissions (2):

Labcorp Genetics (formerly Invitae), Labcorp
Classification: Likely benign. Last evaluated: 2025-11-16. Review status: criteria provided, single submitter. Criteria: Invitae Variant Classification Sherloc (09022015). Collection method: clinical testing. Allele origin: germline.

Laboratory for Molecular Medicine, Mass General Brigham Personalized Medicine
Classification: Likely benign. Last evaluated: 2018-08-22. Review status: criteria provided, single submitter. Criteria: LMM Criteria. Collection method: clinical testing. Allele origin: germline. Observed: 1 variant allele.
Comment: The p.Glu29Glu variant in LOXHD1 is classified as likely benign because it does not alter an amino acid residue, it is not located within the splice consensus s equence, and splice prediction algorithms do not predict a newly created splice site. It has been identified in 0.005% (3/57012) of European chromosomes by the Genome Aggregation Database (gnomAD). ACMG/AMP Criteria applied: BP4, BP7, PM2.

NM_001384474.1(LOXHD1):c.87G>A (p.Glu29=)

Gene: LOXHD1 (lipoxygenase homology PLAT domains 1; minus strand). Cytogenetic location: 18q21.1.
Variant type: single nucleotide variant.
Coding change: c.87G>A on transcript NM_001384474.1 (MANE Select); coding-DNA position 87, G replaced by A.
Protein change: p.Glu29=; no amino-acid change (glutamic acid 29 retained).
Molecular consequence: synonymous variant.
Genome position (GRCh38, 1-based): chr18:46,656,947, C>T on the plus strand (G>A on the coding strand, the complement: LOXHD1 is on the minus strand). VCF-style: chr18-46656947-C-T. GRCh37 (hg19) VCF-style: chr18-44236910-C-T.
Other names: c.87G>A, p.Glu29= (NM_144612.7).
Identifiers: ClinVar variation 667127 (VCV000667127.11), dbSNP rs1487954570, ClinGen allele CA503812551.